The following is an entry in ClinVar:

NM_002972.4(SBF1):c.1403A>G (p.Gln468Arg)

Gene: SBF1 (SET binding factor 1; minus strand). Cytogenetic location: 22q13.33.
Variant type: single nucleotide variant.
Coding change: c.1403A>G on transcript NM_002972.4 (MANE Select); coding-DNA position 1403, A replaced by G.
Protein change: p.Gln468Arg; replaces glutamine 468 with arginine.
Molecular consequence: missense variant.
Genome position (GRCh38, 1-based): chr22:50,464,847, T>C on the plus strand (A>G on the coding strand, the complement: SBF1 is on the minus strand). VCF-style: chr22-50464847-T-C. GRCh37 (hg19) VCF-style: chr22-50903276-T-C.
Other names: c.1406A>G, p.Gln469Arg (NM_001365819.1); c.1403A>G (NM_002972.2); short protein forms Q469R, Q468R.
Identifiers: ClinVar variation 1357914 (VCV001357914.8), dbSNP rs961125816, ClinGen allele CA325534503.

ClinVar aggregate classification (germline): Uncertain significance. Review status: criteria provided, multiple submitters, no conflicts (2 of 4 stars). 2 submissions from 2 submitters: Uncertain significance (2). Last evaluated 2025-04-30.

Allele frequency attached by ClinVar (database versions not stated): gnomAD exomes below 0.00001; TOPMed 0.00001.
gnomAD v4.1: 2 of 1,613,692 alleles (0.00012%); highest among the groups gnomAD compares: Admixed American, 0.0017%; no homozygotes.

Submissions (2):

Ambry Genetics
Classification: Uncertain significance. Last evaluated: 2025-04-30. Review status: criteria provided, single submitter. Criteria: Ambry Variant Classification Scheme 2023. Collection method: clinical testing. Allele origin: germline.

Labcorp Genetics (formerly Invitae), Labcorp
Classification: Uncertain significance. Last evaluated: 2024-11-02. Review status: criteria provided, single submitter. Criteria: Invitae Variant Classification Sherloc (09022015). Collection method: clinical testing. Allele origin: germline.
Comment: This sequence change replaces glutamine, which is neutral and polar, with arginine, which is basic and polar, at codon 468 of the SBF1 protein (p.Gln468Arg). This variant is present in population databases (no rsID available, gnomAD 0.003%). This variant has not been reported in the literature in individuals affected with SBF1-related conditions. ClinVar contains an entry for this variant (Variation ID: 1357914). Invitae Evidence Modeling of protein sequence and biophysical properties (such as structural, functional, and spatial information, amino acid conservation, physicochemical variation, residue mobility, and thermodynamic stability) indicates that this missense variant is not expected to disrupt SBF1 protein function with a negative predictive value of 80%. In summary, the available evidence is currently insufficient to determine the role of this variant in disease. Therefore, it has been classified as a Variant of Uncertain Significance.